The following is an entry in ClinVar:

ClinVar aggregate classification (germline): Uncertain significance (1 of 4 stars; one submission).

Conditions:
Parkinsonism-dystonia, infantile. Identifiers: Orphanet 238455, MedGen C2751067, MONDO:0013150.

Allele frequency attached by ClinVar (database versions not stated): TOPMed below 0.00001.

Submission:

Labcorp Genetics (formerly Invitae), Labcorp
Classification: Uncertain significance for Parkinsonism-dystonia, infantile. Last evaluated: 2022-04-16. Review status: criteria provided, single submitter. Criteria: Invitae Variant Classification Sherloc (09022015). Collection method: clinical testing. Allele origin: germline.
Comment: In summary, the available evidence is currently insufficient to determine the role of this variant in disease. Therefore, it has been classified as a Variant of Uncertain Significance. Algorithms developed to predict the effect of missense changes on protein structure and function are either unavailable or do not agree on the potential impact of this missense change (SIFT: "Tolerated"; PolyPhen-2: "Probably Damaging"; Align-GVGD: "Class C0"). This variant has not been reported in the literature in individuals affected with SLC6A3-related conditions. This variant is not present in population databases (gnomAD no frequency). This sequence change replaces serine, which is neutral and polar, with cysteine, which is neutral and slightly polar, at codon 460 of the SLC6A3 protein (p.Ser460Cys).

NM_001044.5(SLC6A3):c.1379C>G (p.Ser460Cys)

Gene: SLC6A3 (solute carrier family 6 member 3). Cytogenetic location: 5p15.33.
Variant type: single nucleotide variant.
Coding change: c.1379C>G on transcript NM_001044.5 (MANE Select); coding-DNA position 1379, C replaced by G.
Protein change: p.Ser460Cys; replaces serine 460 with cysteine.
Molecular consequence: missense variant.
Genome position (GRCh38, 1-based): chr5:1,409,740, G>C on the plus strand (C>G on the coding strand, the complement: SLC6A3 is on the minus strand). VCF-style: chr5-1409740-G-C. GRCh37 (hg19) VCF-style: chr5-1409855-G-C.
Other names: short protein forms S460C.
Identifiers: ClinVar variation 2182437 (VCV002182437.4), dbSNP rs1756069191, ClinGen allele CA359078921.